The following is an entry in ClinVar:

ClinVar aggregate classification (germline): Uncertain significance (1 of 4 stars; one submission).

Conditions:
Bloom syndrome (BLM). Also called: Bloom-Torre-Machacek syndrome. Identifiers: Orphanet 125, MedGen C0005859, MONDO:0008876, OMIM 210900.

Submission:

Labcorp Genetics (formerly Invitae), Labcorp
Classification: Uncertain significance for Bloom syndrome. Last evaluated: 2022-01-27. Review status: criteria provided, single submitter. Criteria: Invitae Variant Classification Sherloc (09022015). Collection method: clinical testing. Allele origin: germline.
Comment: This sequence change replaces serine, which is neutral and polar, with phenylalanine, which is neutral and non-polar, at codon 42 of the BLM protein (p.Ser42Phe). In summary, the available evidence is currently insufficient to determine the role of this variant in disease. Therefore, it has been classified as a Variant of Uncertain Significance. Algorithms developed to predict the effect of missense changes on protein structure and function are either unavailable or do not agree on the potential impact of this missense change (SIFT: "Tolerated"; PolyPhen-2: "Possibly Damaging"; Align-GVGD: "Class C0"). ClinVar contains an entry for this variant (Variation ID: 1064296). This variant has not been reported in the literature in individuals affected with BLM-related conditions. This variant is not present in population databases (gnomAD no frequency).

NM_000057.4(BLM):c.125C>T (p.Ser42Phe)

Gene: BLM (BLM RecQ like helicase; plus strand). Cytogenetic location: 15q26.1.
Variant type: single nucleotide variant.
Coding change: c.125C>T on transcript NM_000057.4 (MANE Select); coding-DNA position 125, C replaced by T.
Protein change: p.Ser42Phe; replaces serine 42 with phenylalanine.
Molecular consequence: missense variant. On other transcripts: 5 prime UTR variant (1).
Genome position (GRCh38, 1-based): chr15:90,749,393, C>T. VCF-style: chr15-90749393-C-T. GRCh37 (hg19) VCF-style: chr15-91292623-C-T.
Other names: c.125C>T, p.Ser42Phe (NM_001287246.2, NM_001287247.2); c.-1167C>T (NM_001287248.2); short protein forms S42F.
Identifiers: ClinVar variation 1064296 (VCV001064296.9), dbSNP rs763065919, ClinGen allele CA393839384.